The following is an entry in ClinVar:

NM_000179.3(MSH6):c.965C>T (p.Ala322Val)

Gene: MSH6 (mutS homolog 6; plus strand). Cytogenetic location: 2p16.3.
Variant type: single nucleotide variant.
Coding change: c.965C>T on transcript NM_000179.3 (MANE Select); coding-DNA position 965, C replaced by T.
Protein change: p.Ala322Val; replaces alanine 322 with valine.
Molecular consequence: missense variant.
Genome position (GRCh38, 1-based): chr2:47,798,948, C>T. VCF-style: chr2-47798948-C-T. GRCh37 (hg19) VCF-style: chr2-48026087-C-T.
Other names: c.575C>T, p.Ala192Val (NM_001281492.2); c.59C>T, p.Ala20Val (NM_001281493.2, NM_001281494.2); short protein forms A322V, A20V, A192V.
Identifiers: ClinVar variation 628592 (VCV000628592.13), dbSNP rs1253844411, ClinGen allele CA346740919.

ClinVar aggregate classification (germline): Uncertain significance. Review status: criteria provided, multiple submitters, no conflicts (2 of 4 stars). 2 submissions from 2 submitters: Uncertain significance (2). Last evaluated 2023-12-05.

Conditions:
Hereditary cancer-predisposing syndrome. Also called: Neoplastic Syndromes, Hereditary; Tumor predisposition; Hereditary neoplastic syndrome; Hereditary Cancer Syndrome. Identifiers: Orphanet 140162, MedGen C0027672, MeSH D009386, MONDO:0015356.
Hereditary nonpolyposis colorectal neoplasms. Identifiers: MedGen C0009405, MeSH D003123.

Allele frequency attached by ClinVar (database versions not stated): gnomAD exomes below 0.00001.
gnomAD v4.1: 2 of 1,614,196 alleles (0.00012%); highest among the groups gnomAD compares: Non-Finnish European, 0.00017%; no homozygotes.

Submissions (2):

Color Diagnostics, LLC DBA Color Health
Classification: Uncertain significance for Hereditary cancer-predisposing syndrome. Last evaluated: 2023-12-05. Review status: criteria provided, single submitter. Criteria: ACMG Guidelines, 2015. Collection method: clinical testing. Allele origin: germline.
Comment: This missense variant replaces alanine with valine at codon 322 of the MSH6 protein. Computational prediction suggests that this variant may not impact protein structure and function (internally defined REVEL score threshold <= 0.5, PMID: 27666373). To our knowledge, functional studies have not been reported for this variant. This variant has not been reported in individuals affected with MSH6-related disorders in the literature. This variant has not been identified in the general population by the Genome Aggregation Database (gnomAD). The available evidence is insufficient to determine the role of this variant in disease conclusively. Therefore, this variant is classified as a Variant of Uncertain Significance.

Labcorp Genetics (formerly Invitae), Labcorp
Classification: Uncertain significance for Hereditary nonpolyposis colorectal neoplasms. Last evaluated: 2018-11-04. Review status: criteria provided, single submitter. Criteria: Invitae Variant Classification Sherloc (09022015). Collection method: clinical testing. Allele origin: germline.
Comment: Algorithms developed to predict the effect of missense changes on protein structure and function output the following: SIFT: "Tolerated"; PolyPhen-2: "Benign"; Align-GVGD: "Class C0". The valine amino acid residue is found in multiple mammalian species, suggesting that this missense change does not adversely affect protein function. These predictions have not been confirmed by published functional studies and their clinical significance is uncertain. In summary, the available evidence is currently insufficient to determine the role of this variant in disease. Therefore, it has been classified as a Variant of Uncertain Significance. This variant has not been reported in the literature in individuals with MSH6-related disease. This variant is not present in population databases (ExAC no frequency). This sequence change replaces alanine with valine at codon 322 of the MSH6 protein (p.Ala322Val). The alanine residue is weakly conserved and there is a small physicochemical difference between alanine and valine.